The following is an entry in ClinVar:

ClinVar aggregate classification (germline): Uncertain significance. Review status: criteria provided, multiple submitters, no conflicts (2 of 4 stars). 9 submissions from 9 submitters: Uncertain significance (8). 1 of the submissions does not count toward it. Last evaluated 2025-04-30.

Conditions:
Inborn genetic diseases. Identifiers: MedGen C0950123, MeSH D030342.
Familial isolated deficiency of vitamin E (AVED). Also called: ATAXIA, FRIEDREICH-LIKE, WITH SELECTIVE VITAMIN E DEFICIENCY; Ataxia with isolated vitamin E deficiency. Identifiers: Orphanet 96, MedGen C1848533, MONDO:0010188, OMIM 277460.

Allele frequency attached by ClinVar (database versions not stated): ExAC 0.00009; 1000 Genomes Project 30x 0.00016; 1000 Genomes Project 0.00020; gnomAD exomes 0.00038; TOPMed 0.00038; gnomAD 0.00044 and 0.00046.
gnomAD v4.1: 1,125 of 1,536,736 alleles (0.073%); highest among the groups gnomAD compares: Non-Finnish European, 0.092%; 1 homozygote.

Submissions (9):

Mayo Clinic Laboratories, Mayo Clinic
Classification: Uncertain significance. Last evaluated: 2025-04-30. Review status: criteria provided, single submitter. Criteria: ACMG Guidelines, 2015. Collection method: clinical testing. Allele origin: germline. Observed: 3 variant alleles.

Athena Diagnostics
Classification: Uncertain significance. Last evaluated: 2024-12-19. Review status: criteria provided, single submitter. Criteria: Athena Diagnostics Criteria. Collection method: clinical testing. Allele origin: unknown.
Comment: Available data are insufficient to determine the clinical significance of the variant at this time. The frequency of this variant in the general population is higher than would generally be expected for pathogenic variants in this gene. Polyphen and MutationTaster yielded discordant predictions regarding whether this amino acid change is damaging to the protein.

Blueprint Genetics
Classification: Uncertain significance. Last evaluated: 2024-11-21. Review status: criteria provided, single submitter. Criteria: ACMG Guidelines, 2015. Collection method: clinical testing. Allele origin: germline.

GeneDx
Classification: Uncertain significance. Last evaluated: 2024-07-26. Review status: criteria provided, single submitter. Criteria: GeneDx Variant Classification Process June 2021. Collection method: clinical testing. Allele origin: germline. Affected: yes.
Comment: In silico analysis indicates that this missense variant does not alter protein structure/function; Has not been previously published as pathogenic or benign to our knowledge

Ambry Genetics
Classification: Uncertain significance for Inborn genetic diseases. Last evaluated: 2024-07-10. Review status: criteria provided, single submitter. Criteria: Ambry Variant Classification Scheme 2023. Collection method: clinical testing. Allele origin: germline.

Labcorp Genetics (formerly Invitae), Labcorp
Classification: Uncertain significance. Last evaluated: 2022-10-13. Review status: criteria provided, single submitter. Criteria: Invitae Variant Classification Sherloc (09022015). Collection method: clinical testing. Allele origin: germline.
Comment: This sequence change replaces aspartic acid, which is acidic and polar, with asparagine, which is neutral and polar, at codon 60 of the TTPA protein (p.Asp60Asn). This variant is present in population databases (rs199636231, gnomAD 0.08%). This variant has not been reported in the literature in individuals affected with TTPA-related conditions. ClinVar contains an entry for this variant (Variation ID: 448838). Advanced modeling of protein sequence and biophysical properties (such as structural, functional, and spatial information, amino acid conservation, physicochemical variation, residue mobility, and thermodynamic stability) performed at Invitae indicates that this missense variant is not expected to disrupt TTPA protein function. In summary, the available evidence is currently insufficient to determine the role of this variant in disease. Therefore, it has been classified as a Variant of Uncertain Significance.

Illumina Laboratory Services, Illumina
Classification: Uncertain significance for Familial isolated deficiency of vitamin E. Last evaluated: 2018-01-13. Review status: criteria provided, single submitter. Criteria: ICSL Variant Classification Criteria 13 December 2019. Collection method: clinical testing. Allele origin: germline.

Eurofins Ntd Llc (ga)
Classification: Uncertain significance. Last evaluated: 2017-01-04. Review status: criteria provided, single submitter. Criteria: EGL Classification Definitions 2015. Collection method: clinical testing. Allele origin: germline. Observed: 1 variant allele, 1 heterozygote.

Natera, Inc.
Classification: Uncertain significance for Ataxia with isolated vitamin E deficiency. Last evaluated: 2019-11-11. Review status: no assertion criteria provided. Collection method: clinical testing. Allele origin: germline. Not counted in ClinVar's aggregate classification.

NM_000370.3(TTPA):c.178G>A (p.Asp60Asn)

Gene: TTPA (alpha tocopherol transfer protein; minus strand). Cytogenetic location: 8q12.3.
Variant type: single nucleotide variant.
Coding change: c.178G>A on transcript NM_000370.3 (MANE Select); coding-DNA position 178, G replaced by A.
Protein change: p.Asp60Asn; replaces aspartic acid 60 with asparagine.
Molecular consequence: missense variant.
Genome position (GRCh38, 1-based): chr8:63,085,844, C>T on the plus strand (G>A on the coding strand, the complement: TTPA is on the minus strand). VCF-style: chr8-63085844-C-T. GRCh37 (hg19) VCF-style: chr8-63998403-C-T.
Other names: short protein forms D60N.
Identifiers: ClinVar variation 448838 (VCV000448838.23), dbSNP rs199636231, ClinGen allele CA4763311.